The following is an entry in ClinVar:

NM_001379286.1(ZNF423):c.3335T>G (p.Val1112Gly)

Gene: ZNF423 (zinc finger protein 423; minus strand). Cytogenetic location: 16q12.1.
Variant type: single nucleotide variant.
Coding change: c.3335T>G on transcript NM_001379286.1 (MANE Select); coding-DNA position 3335, T replaced by G.
Protein change: p.Val1112Gly; replaces valine 1112 with glycine.
Molecular consequence: missense variant.
Genome position (GRCh38, 1-based): chr16:49,635,841, A>C on the plus strand (T>G on the coding strand, the complement: ZNF423 is on the minus strand). VCF-style: chr16-49635841-A-C. GRCh37 (hg19) VCF-style: chr16-49669752-A-C.
Other names: c.3131T>G, p.Val1044Gly (NM_001271620.2); c.2960T>G, p.Val987Gly (NM_001330533.2); c.3311T>G, p.Val1104Gly (NM_015069.5); short protein forms V1044G, V1104G, V987G, V1112G.
Identifiers: ClinVar variation 1484794 (VCV001484794.8), dbSNP rs1448778120, ClinGen allele CA395839573.
Genomic context (GRCh38, chr16:49,635,841, plus strand): 5'-TCGGGGCAACGGAGGCCGGCACAGGGCCGGTCGGCGGGCTCGGGCGGGGCCAGGCCACCC[A>C]CCTGTCCGTTGGCGCTGCGGGCCATGCAGCCGGCGCAGAGGCCGTAGGGCAGCCCATTGA-3'
Protein context (NP_001366215.1, residues 1102-1122): GCMARSANGQ[Val1112Gly]GGLAPPEPAD

ClinVar aggregate classification (germline): Uncertain significance (1 of 4 stars; one submission).

Conditions:
Nephronophthisis 14 (NPHP14). Identifiers: Orphanet 2318, MedGen C3539071, MONDO:0013916, OMIM 614844.

Submission:

Labcorp Genetics (formerly Invitae), Labcorp
Classification: Uncertain significance for Nephronophthisis 14. Last evaluated: 2022-07-12. Review status: criteria provided, single submitter. Criteria: Invitae Variant Classification Sherloc (09022015). Collection method: clinical testing. Allele origin: germline.
Comment: This sequence change replaces valine, which is neutral and non-polar, with glycine, which is neutral and non-polar, at codon 1104 of the ZNF423 protein (p.Val1104Gly). This variant is not present in population databases (gnomAD no frequency). This variant has not been reported in the literature in individuals affected with ZNF423-related conditions. ClinVar contains an entry for this variant (Variation ID: 1484794). Algorithms developed to predict the effect of missense changes on protein structure and function (SIFT, PolyPhen-2, Align-GVGD) all suggest that this variant is likely to be tolerated. In summary, the available evidence is currently insufficient to determine the role of this variant in disease. Therefore, it has been classified as a Variant of Uncertain Significance.